The following is an entry in ClinVar:

ClinVar aggregate classification (germline): Uncertain significance. Review status: criteria provided, multiple submitters, no conflicts (2 of 4 stars). 2 submissions from 2 submitters: Uncertain significance (2). Last evaluated 2026-05-14.

Conditions:
Cardiovascular phenotype. Identifiers: MedGen CN230736.

Submissions (2):

Ambry Genetics
Classification: Uncertain significance for Cardiovascular phenotype. Last evaluated: 2026-05-14. Review status: criteria provided, single submitter. Criteria: Ambry Variant Classification Scheme 2023. Collection method: clinical testing. Allele origin: germline.
Comment: The p.R146G variant (also known as c.436A>G), located in coding exon 4 of the NEXN gene, results from an A to G substitution at nucleotide position 436. The arginine at codon 146 is replaced by glycine, an amino acid with dissimilar properties. This amino acid position is conserved. In addition, this alteration is predicted to be tolerated by in silico analysis. Based on the available evidence, the clinical significance of this variant remains unclear.

GeneDx
Classification: Uncertain significance. Last evaluated: 2019-05-03. Review status: criteria provided, single submitter. Criteria: GeneDx Variant Classification Process June 2021. Collection method: clinical testing. Allele origin: germline. Affected: yes.
Comment: Has not been previously published as pathogenic or benign to our knowledge; Not observed in large population cohorts (Lek et al., 2016); In silico analysis, which includes protein predictors and evolutionary conservation, supports that this variant does not alter protein structure/function

NM_144573.4(NEXN):c.436A>G (p.Arg146Gly)

Genes: NEXN (nexilin F-actin binding protein; plus strand), LOC126805765 (BRD4-independent group 4 enhancer GRCh37_chr1:78383688-78384887; plus strand). Cytogenetic location: 1p31.1.
Variant type: single nucleotide variant.
Coding change: c.436A>G on transcript NM_144573.4 (MANE Select); coding-DNA position 436, A replaced by G.
Protein change: p.Arg146Gly; replaces arginine 146 with glycine.
Molecular consequence: missense variant.
Genome position (GRCh38, 1-based): chr1:77,918,262, A>G. VCF-style: chr1-77918262-A-G. GRCh37 (hg19) VCF-style: chr1-78383947-A-G.
Other names: c.244A>G, p.Arg82Gly (NM_001172309.2); short protein forms R146G, R82G.
Identifiers: ClinVar variation 1305582 (VCV001305582.3), dbSNP rs2102094950, ClinGen allele CA340887196.